The following is an entry in ClinVar:

ClinVar aggregate classification (germline): Uncertain significance (1 of 4 stars; one submission).

Allele frequency attached by ClinVar (database versions not stated): gnomAD 0.00001; TOPMed 0.00004.
gnomAD v4.1: 30 of 1,537,020 alleles (0.002%); highest among the groups gnomAD compares: African/African-American, 0.0027%; no homozygotes.

Submission:

Labcorp Genetics (formerly Invitae), Labcorp
Classification: Uncertain significance. Last evaluated: 2023-03-21. Review status: criteria provided, single submitter. Criteria: Invitae Variant Classification Sherloc (09022015). Collection method: clinical testing. Allele origin: germline.
Comment: In summary, the available evidence is currently insufficient to determine the role of this variant in disease. Therefore, it has been classified as a Variant of Uncertain Significance. Advanced modeling of protein sequence and biophysical properties (such as structural, functional, and spatial information, amino acid conservation, physicochemical variation, residue mobility, and thermodynamic stability) has been performed at Invitae for this missense variant, however the output from this modeling did not meet the statistical confidence thresholds required to predict the impact of this variant on ZBTB20 protein function. This variant has not been reported in the literature in individuals affected with ZBTB20-related conditions. This variant is present in population databases (no rsID available, gnomAD 0.01%). This sequence change replaces proline, which is neutral and non-polar, with leucine, which is neutral and non-polar, at codon 24 of the ZBTB20 protein (p.Pro24Leu).

NM_001348800.3(ZBTB20):c.71C>T (p.Pro24Leu)

Genes: ZBTB20 (zinc finger and BTB domain containing 20; minus strand), ZBTB20-AS1 (ZBTB20 antisense RNA 1; plus strand). Cytogenetic location: 3q13.31.
Variant type: single nucleotide variant.
Coding change: c.71C>T on transcript NM_001348800.3 (MANE Select); coding-DNA position 71, C replaced by T.
Protein change: p.Pro24Leu; replaces proline 24 with leucine.
Molecular consequence: missense variant. On other transcripts: 5 prime UTR variant (12), non-coding transcript variant (1).
Genome position (GRCh38, 1-based): chr3:114,380,345, G>A on the plus strand (C>T on the coding strand, the complement: ZBTB20 is on the minus strand). VCF-style: chr3-114380345-G-A. GRCh37 (hg19) VCF-style: chr3-114099192-G-A.
Other names: c.71C>T, p.Pro24Leu (NM_001164342.2, NM_001348803.3, NM_001393393.1 and 1 more transcripts); c.-149C>T (NM_001164343.2, NM_001164344.4, NM_001164345.4 and 9 more transcripts); short protein forms P24L.
Identifiers: ClinVar variation 2775998 (VCV002775998.3), dbSNP rs1026601654, ClinGen allele CA81681114.